The following is an entry in ClinVar:

ClinVar aggregate classification (germline): Pathogenic. Review status: criteria provided, multiple submitters, no conflicts (2 of 4 stars). 2 submissions from 2 submitters: Pathogenic (2). Last evaluated 2026-06-18.

Conditions:
Familial thoracic aortic aneurysm and aortic dissection (TAAD). Also called: Thoracic aortic aneurysms and dissections. Identifiers: Orphanet 91387, MedGen C4707243, MONDO:0019625.
Marfan syndrome (MFS). Also called: Marfan syndrome type 1; Marfan's syndrome; Marfan syndrome, classic; MARFAN SYNDROME, TYPE I; FBN1-Related Marfan Syndrome. Identifiers: Orphanet 284963, Orphanet 558, MedGen C0024796, MONDO:0007947, OMIM 154700.

Submissions (2):

Ambry Genetics
Classification: Pathogenic for Familial thoracic aortic aneurysm and aortic dissection. Last evaluated: 2026-06-18. Review status: criteria provided, single submitter. Criteria: Ambry Variant Classification Scheme 2023. Collection method: clinical testing. Allele origin: germline.
Comment: The c.2562G>T (p.W854C) alteration is located in exon 22 (coding exon 21) of the FBN1 gene. This alteration results from a G to T substitution at nucleotide position 2562, causing the tryptophan (W) at amino acid position 854 to be replaced by a cysteine (C). This variant was not reported in population-based cohorts in the Genome Aggregation Database (gnomAD). This variant was reported in individuals with features consistent with Marfan syndrome and related fibrilinopathies (Baudhuin, 2015; external communication). Other variants at the same codon, including c.2560T>G (p.W854G), have been identified in individuals with features consistent with Marfan syndrome (Yang, 2016). This amino acid position is highly conserved in available vertebrate species. This alteration is predicted to be deleterious by in silico analysis. Based on the available evidence, this alteration is classified as pathogenic.

Labcorp Genetics (formerly Invitae), Labcorp
Classification: Pathogenic for Marfan syndrome; Familial thoracic aortic aneurysm and aortic dissection. Last evaluated: 2024-09-05. Review status: criteria provided, single submitter. Criteria: Invitae Variant Classification Sherloc (09022015). Collection method: clinical testing. Allele origin: germline.
Comment: This sequence change replaces tryptophan, which is neutral and slightly polar, with cysteine, which is neutral and slightly polar, at codon 854 of the FBN1 protein (p.Trp854Cys). This variant is not present in population databases (gnomAD no frequency). This missense change has been observed in individual(s) with Marfan syndrome (PMID: 25652356; internal data). ClinVar contains an entry for this variant (Variation ID: 1480741). Invitae Evidence Modeling of protein sequence and biophysical properties (such as structural, functional, and spatial information, amino acid conservation, physicochemical variation, residue mobility, and thermodynamic stability) indicates that this missense variant is expected to disrupt FBN1 protein function with a positive predictive value of 95%. This variant disrupts the p.Trp854 amino acid residue in FBN1. Other variant(s) that disrupt this residue have been observed in individuals with FBN1-related conditions (PMID: 25907466; internal data), which suggests that this may be a clinically significant amino acid residue. For these reasons, this variant has been classified as Pathogenic.

Literature cited by the submitters: PubMed 25652356 (cited by Ambry Genetics and Labcorp Genetics (formerly Invitae), Labcorp); PubMed 27234404 (cited by Ambry Genetics); PubMed 25907466 (cited by Labcorp Genetics (formerly Invitae), Labcorp).

NM_000138.5(FBN1):c.2562G>T (p.Trp854Cys)

Gene: FBN1 (fibrillin 1; minus strand). Cytogenetic location: 15q21.1.
Variant type: single nucleotide variant.
Coding change: c.2562G>T on transcript NM_000138.5 (MANE Select); coding-DNA position 2562, G replaced by T.
Protein change: p.Trp854Cys; replaces tryptophan 854 with cysteine.
Molecular consequence: missense variant.
Genome position (GRCh38, 1-based): chr15:48,495,238, C>A on the plus strand (G>T on the coding strand, the complement: FBN1 is on the minus strand). VCF-style: chr15-48495238-C-A. GRCh37 (hg19) VCF-style: chr15-48787435-C-A.
Other names: c.2562G>T (NM_000138.4); short protein forms W854C.
Identifiers: ClinVar variation 1480741 (VCV001480741.9), dbSNP rs1555399164, ClinGen allele CA392332845.